The following is an entry in ClinVar:

ClinVar aggregate classification (germline): Likely benign (1 of 4 stars; one submission).

Allele frequency attached by ClinVar (database versions not stated): 1000 Genomes Project 0.00180; 1000 Genomes Project 30x 0.00219; ESP Exome Variant Server 0.00280; TOPMed 0.00302; gnomAD 0.00412; ExAC 0.00448.
gnomAD v4.1: 7,688 of 1,599,156 alleles (0.48%); highest among the groups gnomAD compares: Non-Finnish European, 0.57%; 26 homozygotes.

Submission:

CeGaT Center for Human Genetics Tuebingen
Classification: Likely benign. Last evaluated: 2023-05-01. Review status: criteria provided, single submitter. Criteria: CeGaT Center For Human Genetics Tuebingen Variant Classification Criteria Version 2. Collection method: clinical testing. Allele origin: germline. Affected: yes. Observed: 1 variant allele.
Comment: PKP3: BS2

NM_007183.4(PKP3):c.553C>T (p.Arg185Trp)

Gene: PKP3 (plakophilin 3; plus strand). Cytogenetic location: 11p15.5.
Variant type: single nucleotide variant.
Coding change: c.553C>T on transcript NM_007183.4 (MANE Select); coding-DNA position 553, C replaced by T.
Protein change: p.Arg185Trp; replaces arginine 185 with tryptophan.
Molecular consequence: missense variant.
Genome position (GRCh38, 1-based): chr11:397,054, C>T. VCF-style: chr11-397054-C-T. GRCh37 (hg19) VCF-style: chr11-397054-C-T.
Other names: c.598C>T, p.Arg200Trp (NM_001303029.2); short protein forms R185W, R200W.
Identifiers: ClinVar variation 2641044 (VCV002641044.24), dbSNP rs151265573, ClinGen allele CA5775506.